The following is an entry in ClinVar:

NM_001447.3(FAT2):c.10526C>T (p.Pro3509Leu)

Genes: FAT2 (FAT atypical cadherin 2; minus strand), SLC36A1 (solute carrier family 36 member 1; plus strand), LOC132089193 (Neanderthal introgressed variant-containing enhancer experimental_82555; plus strand). Cytogenetic location: 5q33.1.
Variant type: single nucleotide variant.
Coding change: c.10526C>T on transcript NM_001447.3 (MANE Select); coding-DNA position 10526, C replaced by T.
Protein change: p.Pro3509Leu; replaces proline 3509 with leucine.
Molecular consequence: missense variant.
Genome position (GRCh38, 1-based): chr5:151,522,067, G>A on the plus strand (C>T on the coding strand, the complement: FAT2 is on the minus strand). VCF-style: chr5-151522067-G-A. GRCh37 (hg19) VCF-style: chr5-150901628-G-A.
Other names: short protein forms P3509L.
Identifiers: ClinVar variation 4535561 (VCV004535561.1).

ClinVar aggregate classification (germline): Uncertain significance (1 of 4 stars; one submission).

gnomAD v4.1: 7 of 1,595,746 alleles (0.00044%); highest among the groups gnomAD compares: African/African-American, 0.008%; no homozygotes.

Submission:

Women's Health and Genetics/Laboratory Corporation of America, LabCorp
Classification: Uncertain significance. Last evaluated: 2025-09-12. Review status: criteria provided, single submitter. Criteria: LabCorp Variant Classification Summary - May 2015. Collection method: clinical testing. Allele origin: germline.
Comment: Variant summary: FAT2 c.10526C>T (p.Pro3509Leu) results in a non-conservative amino acid change in the encoded protein sequence. Algorithms developed to predict the effect of missense changes on protein structure and function all suggest that this variant is likely to be disruptive. The variant allele was found at a frequency of 4.1e-06 in 243902 control chromosomes. The available data on variant occurrences in the general population are insufficient to allow any conclusion about variant significance. To our knowledge, no occurrence of c.10526C>T in individuals affected with FAT2-related conditions and no experimental evidence demonstrating its impact on protein function have been reported. No submitters have cited clinical-significance assessments for this variant to ClinVar. Based on the evidence outlined above, the variant was classified as uncertain significance.